The following is an entry in ClinVar:

NM_004562.3(PRKN):c.574A>C (p.Met192Leu)

Gene: PRKN (parkin RBR E3 ubiquitin protein ligase; minus strand). Cytogenetic location: 6q26.
Variant type: single nucleotide variant.
Coding change: c.574A>C on transcript NM_004562.3 (MANE Select); coding-DNA position 574, A replaced by C.
Protein change: p.Met192Leu; replaces methionine 192 with leucine.
Molecular consequence: missense variant. On other transcripts: intron variant (2).
Genome position (GRCh38, 1-based): chr6:162,054,135, T>G on the plus strand (A>C on the coding strand, the complement: PRKN is on the minus strand). VCF-style: chr6-162054135-T-G. GRCh37 (hg19) VCF-style: chr6-162475167-T-G.
Other names: p.Met192Leu; c.172-80718A>C (NM_013988.3); c.535-80718A>C (NM_013987.3); short protein forms M192L.
Identifiers: ClinVar variation 415531 (VCV000415531.21), dbSNP rs9456735, ClinGen allele CA4090308.
Genomic context (GRCh38, chr6:162,054,135, plus strand): 5'-GTGACCAGGTACTTACTGCACTAGTCCCAGGGCAGTGTGGGGATTGGCATTCACCACTCA[T>G]CCGGTTTGGAATTAAAACATCATCCCAGCAAGATGGACCCTTTGGGAAAAAACAACAATA-3'
Protein context (NP_004553.2, residues 182-202): CWDDVLIPNR[Met192Leu]SGECQSPHCP

ClinVar aggregate classification (germline): Benign. Review status: criteria provided, multiple submitters, no conflicts (2 of 4 stars). 5 submissions from 5 submitters: Benign (5). Last evaluated 2026-01-25.

Conditions:
Autosomal recessive juvenile Parkinson disease 2. Also called: Parkinson disease autosomal recessive, early onset; Juvenile parkinsonism; Parkinsonism, early onset, with diurnal fluctuation; PRKN-Related Early-Onset Parkinson Disease; PARKINSON DISEASE, JUVENILE, AUTOSOMAL RECESSIVE; Parkinson disease, juvenile, type 2. Identifiers: Orphanet 2828, MedGen C1868675, MONDO:0010820, OMIM 600116.

Allele frequency attached by ClinVar (database versions not stated): ESP Exome Variant Server 0.01945; gnomAD exomes 0.00174; gnomAD 0.01732 and 0.01850; 1000 Genomes Project 30x 0.01889; 1000 Genomes Project 0.01897; TOPMed 0.01920.

Submissions (5):

Labcorp Genetics (formerly Invitae), Labcorp
Classification: Benign. Last evaluated: 2026-01-25. Review status: criteria provided, single submitter. Criteria: Invitae Variant Classification Sherloc (09022015). Collection method: clinical testing. Allele origin: germline.

Mayo Clinic Laboratories, Mayo Clinic
Classification: Benign. Last evaluated: 2025-02-14. Review status: criteria provided, single submitter. Criteria: ACMG Guidelines, 2015. Collection method: clinical testing. Allele origin: germline. Observed: 1 variant allele.
Comment: BA1, BS2

Athena Diagnostics
Classification: Benign. Last evaluated: 2018-06-28. Review status: criteria provided, single submitter. Criteria: Athena Diagnostics Criteria. Collection method: clinical testing. Allele origin: germline.

Eurofins Ntd Llc (ga)
Classification: Benign. Last evaluated: 2018-04-12. Review status: criteria provided, single submitter. Criteria: EGL ClinVar v180209 classification definitions. Collection method: clinical testing. Allele origin: germline. Observed: 1 variant allele, 1 heterozygote.

Illumina Laboratory Services, Illumina
Classification: Benign for Autosomal recessive juvenile Parkinson disease 2. Last evaluated: 2017-04-27. Review status: criteria provided, single submitter. Criteria: ICSL Variant Classification Criteria 13 December 2019. Collection method: clinical testing. Allele origin: germline.
Comment: This variant was observed as part of a predisposition screen in an ostensibly healthy population. A literature search was performed for the gene, cDNA change, and amino acid change (where applicable). Publications were found based on this search. The evidence from the literature, in combination with allele frequency data from public databases where available, was sufficient to rule this variant out of causing disease. Therefore, this variant is classified as benign.

Literature cited by the submitters: PubMed 11971093 (cited by 3 submitters); PubMed 15816865 (cited by Mayo Clinic Laboratories, Mayo Clinic and Illumina Laboratory Services, Illumina); PubMed 16606767 (cited by Mayo Clinic Laboratories, Mayo Clinic and Athena Diagnostics); PubMed 18413468 (cited by Mayo Clinic Laboratories, Mayo Clinic and Athena Diagnostics); PubMed 18514563 (cited by Mayo Clinic Laboratories, Mayo Clinic and Athena Diagnostics); PubMed 18927607 (cited by 3 submitters); PubMed 27393345 (cited by Mayo Clinic Laboratories, Mayo Clinic); PubMed 30994895 (cited by Mayo Clinic Laboratories, Mayo Clinic); PubMed 19405094 (cited by Athena Diagnostics); PubMed 18685134 (cited by Illumina Laboratory Services, Illumina).